The following is an entry in ClinVar:

NM_001017974.2(P4HA2):c.837G>A (p.Arg279=)

Gene: P4HA2 (prolyl 4-hydroxylase subunit alpha 2; minus strand). Cytogenetic location: 5q31.1.
Variant type: single nucleotide variant.
Coding change: c.837G>A on transcript NM_001017974.2 (MANE Select); coding-DNA position 837, G replaced by A.
Protein change: p.Arg279=; no amino-acid change (arginine 279 retained).
Molecular consequence: synonymous variant.
Genome position (GRCh38, 1-based): chr5:132,209,204, C>T on the plus strand (G>A on the coding strand, the complement: P4HA2 is on the minus strand). VCF-style: chr5-132209204-C-T. GRCh37 (hg19) VCF-style: chr5-131544897-C-T.
Other names: c.837G>A, p.Arg279= (NM_001142598.2, NM_001142599.2, NM_001365677.2 and 5 more transcripts).
Identifiers: ClinVar variation 4823511 (VCV004823511.4).

ClinVar aggregate classification (germline): Uncertain significance (1 of 4 stars; one submission).

gnomAD v4.1: 1 of 1,613,936 alleles (0.000062%); highest among the groups gnomAD compares: Non-Finnish European, 0.000085%; no homozygotes.

Submission:

CeGaT Center for Human Genetics Tuebingen
Classification: Uncertain significance. Last evaluated: 2026-03-01. Review status: criteria provided, single submitter. Criteria: CeGaT Center For Human Genetics Tuebingen Variant Classification Criteria Version 2. Collection method: clinical testing. Allele origin: germline. Affected: yes. Observed: 1 variant allele.
Comment: P4HA2: PM2:Supporting, BP4